The following is an entry in ClinVar:

ClinVar aggregate classification (germline): Uncertain significance (1 of 4 stars; one submission).

Conditions:
Spondyloepimetaphyseal dysplasia, PAPSS2 type. Also called: SPONDYLODYSPLASIA AND PREMATURE PUBARCHE; BRACHYOLMIA TYPE 4 WITH MILD EPIPHYSEAL AND METAPHYSEAL CHANGES; SEMD, PAKISTANI TYPE. Identifiers: Orphanet 93282, MedGen C2748516, MONDO:0019666, OMIM 612847.

Allele frequency attached by ClinVar (database versions not stated): gnomAD exomes 0.00001.
gnomAD v4.1: 7 of 1,613,668 alleles (0.00043%); highest among the groups gnomAD compares: Non-Finnish European, 0.00059%; no homozygotes.

Submission:

Labcorp Genetics (formerly Invitae), Labcorp
Classification: Uncertain significance for Spondyloepimetaphyseal dysplasia, PAPSS2 type. Last evaluated: 2022-05-29. Review status: criteria provided, single submitter. Criteria: Invitae Variant Classification Sherloc (09022015). Collection method: clinical testing. Allele origin: germline.
Comment: In summary, the available evidence is currently insufficient to determine the role of this variant in disease. Therefore, it has been classified as a Variant of Uncertain Significance. Algorithms developed to predict the effect of missense changes on protein structure and function are either unavailable or do not agree on the potential impact of this missense change (SIFT: "Tolerated"; PolyPhen-2: "Probably Damaging"; Align-GVGD: "Class C0"). This variant has not been reported in the literature in individuals affected with PAPSS2-related conditions. This variant is not present in population databases (gnomAD no frequency). This sequence change replaces methionine, which is neutral and non-polar, with valine, which is neutral and non-polar, at codon 363 of the PAPSS2 protein (p.Met363Val).

NM_001015880.2(PAPSS2):c.1087A>G (p.Met363Val)

Gene: PAPSS2 (3'-phosphoadenosine 5'-phosphosulfate synthase 2; plus strand). Cytogenetic location: 10q23.31.
Variant type: single nucleotide variant.
Coding change: c.1087A>G on transcript NM_001015880.2 (MANE Select); coding-DNA position 1087, A replaced by G.
Protein change: p.Met363Val; replaces methionine 363 with valine.
Molecular consequence: missense variant.
Genome position (GRCh38, 1-based): chr10:87,741,235, A>G. VCF-style: chr10-87741235-A-G. GRCh37 (hg19) VCF-style: chr10-89500992-A-G.
Other names: c.1072A>G, p.Met358Val (NM_004670.4); short protein forms M358V, M363V.
Identifiers: ClinVar variation 2000800 (VCV002000800.4), dbSNP rs2492870000, ClinGen allele CA377482439.
Genomic context (GRCh38, chr10:87,741,235, plus strand): 5'-TTTTCAGATAAAATAGAAATCACAATTAATCATTAGCAATCATAACAATGTTCTTTCTAG[A>G]TGGTGATGGAAAGTGGGGACTGGCTGGTTGGTGGAGACCTTCAGGTGCTGGAGAAAATAA-3'
Protein context (NP_001015880.1, residues 353-373): TTCTKHPHIK[Met363Val]VMESGDWLVG